The following is an entry in ClinVar:

NM_003896.4(ST3GAL5):c.923T>C (p.Ile308Thr)

Gene: ST3GAL5 (ST3 beta-galactoside alpha-2,3-sialyltransferase 5; minus strand). Cytogenetic location: 2p11.2.
Variant type: single nucleotide variant.
Coding change: c.923T>C on transcript NM_003896.4 (MANE Select); coding-DNA position 923, T replaced by C.
Protein change: p.Ile308Thr; replaces isoleucine 308 with threonine.
Molecular consequence: missense variant. On other transcripts: intron variant (1).
Genome position (GRCh38, 1-based): chr2:85,844,481, A>G on the plus strand (T>C on the coding strand, the complement: ST3GAL5 is on the minus strand). VCF-style: chr2-85844481-A-G. GRCh37 (hg19) VCF-style: chr2-86071604-A-G.
Other names: c.854T>C, p.Ile285Thr (NM_001042437.2); c.539T>C, p.Ile180Thr (NM_001354223.2, NM_001354224.2, NM_001354226.2 and 3 more transcripts); c.839T>C, p.Ile280Thr (NM_001354227.2, NM_001354229.2, NM_001354238.1); c.200T>C, p.Ile67Thr (NM_001354247.1); c.849+1896T>C (NM_001363847.1); short protein forms I285T, I180T, I280T, I308T, I67T.
Identifiers: ClinVar variation 963160 (VCV000963160.8), dbSNP rs372467220, ClinGen allele CA1744950.

ClinVar aggregate classification (germline): Conflicting classifications of pathogenicity. Review status: criteria provided, conflicting classifications (1 of 4 stars). 2 submissions from 2 submitters: Likely pathogenic (1); Uncertain significance (1). Last evaluated 2022-08-16.

Conditions:
ST3GAL5-related disorder. Also called: ST3GAL5-related condition.
GM3 synthase deficiency (SPDRS). Also called: SALT AND PEPPER MENTAL RETARDATION SYNDROME; SALT AND PEPPER DEVELOPMENTAL REGRESSION SYNDROME; AMISH INFANTILE EPILEPSY SYNDROME. Identifiers: Orphanet 171714, Orphanet 370933, MedGen C1836824, MONDO:0018274, OMIM 609056.

Allele frequency attached by ClinVar (database versions not stated): gnomAD exomes 0.00001 and 0.00006; ExAC 0.00002; gnomAD 0.00003 and 0.00004; TOPMed 0.00004; ESP Exome Variant Server 0.00008.
gnomAD v4.1: 95 of 1,614,100 alleles (0.0059%); highest among the groups gnomAD compares: Non-Finnish European, 0.0078%; no homozygotes.

Submissions (2):

Labcorp Genetics (formerly Invitae), Labcorp
Classification: Uncertain significance for GM3 synthase deficiency. Last evaluated: 2022-08-16. Review status: criteria provided, single submitter. Criteria: Invitae Variant Classification Sherloc (09022015). Collection method: clinical testing. Allele origin: germline.
Comment: This sequence change replaces isoleucine, which is neutral and non-polar, with threonine, which is neutral and polar, at codon 308 of the ST3GAL5 protein (p.Ile308Thr). This variant is present in population databases (rs372467220, gnomAD 0.003%). This variant has not been reported in the literature in individuals affected with ST3GAL5-related conditions. ClinVar contains an entry for this variant (Variation ID: 963160). Algorithms developed to predict the effect of missense changes on protein structure and function (SIFT, PolyPhen-2, Align-GVGD) all suggest that this variant is likely to be disruptive. In summary, the available evidence is currently insufficient to determine the role of this variant in disease. Therefore, it has been classified as a Variant of Uncertain Significance.

Blueprint Genetics
Classification: Likely pathogenic for ST3GAL5-related disorders. Last evaluated: 2022-04-29. Review status: criteria provided, single submitter. Criteria: ACMG Guidelines, 2015. Collection method: clinical testing. Allele origin: germline. Affected: yes. Observed: 5 variant alleles.